The following is an entry in ClinVar:

ClinVar aggregate classification (germline): Uncertain significance. Review status: criteria provided, multiple submitters, no conflicts (2 of 4 stars). 4 submissions from 4 submitters: Uncertain significance (4). Last evaluated 2025-07-28.

Conditions:
Hereditary cancer-predisposing syndrome. Also called: Tumor predisposition; Hereditary Cancer Syndrome; Hereditary neoplastic syndrome; Neoplastic Syndromes, Hereditary. Identifiers: Orphanet 140162, MedGen C0027672, MeSH D009386, MONDO:0015356.
Hereditary pheochromocytoma and paraganglioma. Also called: Hereditary paragangliomas and pheochromocytomas; Hereditary pheochromocytoma-paraganglioma; Hereditary Paraganglioma-Pheochromocytoma Syndromes. Identifiers: Orphanet 29072, MedGen C4274332, MONDO:0017366.

Submissions (4):

Color Diagnostics, LLC DBA Color Health
Classification: Uncertain significance for Hereditary pheochromocytoma and paraganglioma. Last evaluated: 2025-07-28. Review status: criteria provided, single submitter. Criteria: ACMG Guidelines, 2015. Collection method: clinical testing. Allele origin: germline.
Comment: This missense variant replaces aspartic acid with asparagine at codon 46 of the SDHAF2 protein. Computational prediction suggests that this variant may not impact protein structure and function. To our knowledge, functional studies have not been reported for this variant. This variant has not been reported in individuals affected with SDHAF2-related disorders in the literature. This variant has not been identified in the general population by the Genome Aggregation Database (gnomAD). The available evidence is insufficient to determine the role of this variant in disease conclusively. Therefore, this variant is classified as a Variant of Uncertain Significance.

Labcorp Genetics (formerly Invitae), Labcorp
Classification: Uncertain significance for Hereditary pheochromocytoma and paraganglioma. Last evaluated: 2024-01-30. Review status: criteria provided, single submitter. Criteria: Invitae Variant Classification Sherloc (09022015). Collection method: clinical testing. Allele origin: germline.
Comment: This sequence change replaces aspartic acid, which is acidic and polar, with asparagine, which is neutral and polar, at codon 46 of the SDHAF2 protein (p.Asp46Asn). This variant is not present in population databases (gnomAD no frequency). This variant has not been reported in the literature in individuals affected with SDHAF2-related conditions. ClinVar contains an entry for this variant (Variation ID: 653995). An algorithm developed to predict the effect of missense changes on protein structure and function (PolyPhen-2) suggests that this variant is likely to be disruptive. In summary, the available evidence is currently insufficient to determine the role of this variant in disease. Therefore, it has been classified as a Variant of Uncertain Significance.

Ambry Genetics
Classification: Uncertain significance for Hereditary cancer-predisposing syndrome. Last evaluated: 2023-09-11. Review status: criteria provided, single submitter. Criteria: Ambry Variant Classification Scheme 2023. Collection method: clinical testing. Allele origin: germline.
Comment: The p.D46N variant (also known as c.136G>A), located in coding exon 2 of the SDHAF2 gene, results from a G to A substitution at nucleotide position 136. The aspartic acid at codon 46 is replaced by asparagine, an amino acid with highly similar properties. This amino acid position is conserved. In addition, this alteration is predicted to be tolerated by in silico analysis. Since supporting evidence is limited at this time, the clinical significance of this alteration remains unclear.

All of Us Research Program, National Institutes of Health
Classification: Uncertain significance for Hereditary pheochromocytoma and paraganglioma. Last evaluated: 2023-04-03. Review status: criteria provided, single submitter. Criteria: ACMG Guidelines, 2015. Collection method: clinical testing. Allele origin: germline. Inheritance: Autosomal dominant inheritance. Observed: 1 variant allele, 1 heterozygote.
Comment: This missense variant replaces aspartic acid with asparagine at codon 46 of the SDHAF2 protein. Computational prediction suggests that this variant may not impact protein structure and function (internally defined REVEL score threshold <= 0.5, PMID: 27666373). To our knowledge, functional studies have not been reported for this variant. This variant has not been reported in individuals affected with SDHAF2-related disorders in the literature. This variant has not been identified in the general population by the Genome Aggregation Database (gnomAD). The available evidence is insufficient to determine the role of this variant in disease conclusively. Therefore, this variant is classified as a Variant of Uncertain Significance.

This study involves interpretation of variants in research participants for the purpose of population health screening. Participant phenotype was not available at the time of variant classification. Additional details can be found in publication PMID: 35346344, PMCID: PMC8962531

NM_017841.4(SDHAF2):c.136G>A (p.Asp46Asn)

Gene: SDHAF2 (succinate dehydrogenase complex assembly factor 2; plus strand). Cytogenetic location: 11q12.2.
Variant type: single nucleotide variant.
Coding change: c.136G>A on transcript NM_017841.4 (MANE Select); coding-DNA position 136, G replaced by A.
Protein change: p.Asp46Asn; replaces aspartic acid 46 with asparagine.
Molecular consequence: missense variant.
Genome position (GRCh38, 1-based): chr11:61,437,724, G>A. VCF-style: chr11-61437724-G-A. GRCh37 (hg19) VCF-style: chr11-61205196-G-A.
Other names: short protein forms D46N.
Identifiers: ClinVar variation 653995 (VCV000653995.12), dbSNP rs1590764803, ClinGen allele CA380683257.